The following is an entry in ClinVar:

ClinVar aggregate classification (germline): Uncertain significance (1 of 4 stars; one submission).

gnomAD v4.1: 1 of 1,612,142 alleles (0.000062%); no homozygotes.

Submission:

Labcorp Genetics (formerly Invitae), Labcorp
Classification: Uncertain significance. Last evaluated: 2023-08-11. Review status: criteria provided, single submitter. Criteria: Invitae Variant Classification Sherloc (09022015). Collection method: clinical testing. Allele origin: germline.
Comment: Algorithms developed to predict the effect of sequence changes on RNA splicing suggest that this variant may create or strengthen a splice site. In summary, the available evidence is currently insufficient to determine the role of this variant in disease. Therefore, it has been classified as a Variant of Uncertain Significance. This sequence change affects codon 467 of the RASGRP1 mRNA. It is a 'silent' change, meaning that it does not change the encoded amino acid sequence of the RASGRP1 protein. This variant is not present in population databases (gnomAD no frequency). This variant has not been reported in the literature in individuals affected with RASGRP1-related conditions.

NM_005739.4(RASGRP1):c.1401T>C (p.Ile467=)

Gene: RASGRP1 (RAS guanyl releasing protein 1; minus strand). Cytogenetic location: 15q14.
Variant type: single nucleotide variant.
Coding change: c.1401T>C on transcript NM_005739.4 (MANE Select); coding-DNA position 1401, T replaced by C.
Protein change: p.Ile467=; no amino-acid change (isoleucine 467 retained).
Molecular consequence: synonymous variant. On other transcripts: intron variant (2).
Genome position (GRCh38, 1-based): chr15:38,503,299, A>G on the plus strand (T>C on the coding strand, the complement: RASGRP1 is on the minus strand). VCF-style: chr15-38503299-A-G. GRCh37 (hg19) VCF-style: chr15-38795500-A-G.
Other names: c.1324-878T>C (NM_001306086.2, NM_001128602.2).
Identifiers: ClinVar variation 2867470 (VCV002867470.3), dbSNP rs1891111770, ClinGen allele CA489696549.